The following is an entry in ClinVar:

ClinVar aggregate classification (germline): Likely pathogenic (1 of 4 stars; one submission).

Submission:

ARUP Laboratories, Molecular Genetics and Genomics, ARUP Laboratories
Classification: Likely pathogenic. Last evaluated: 2023-12-19. Review status: criteria provided, single submitter. Criteria: ARUP Molecular Germline Variant Investigation Process 2024. Collection method: clinical testing. Allele origin: germline.
Comment: The NOTCH1 c.4923dup; p.Asp1642Ter variant, to our knowledge, this variant is not reported in the medical literature or gene specific databases. This variant induces an early termination codon and is predicted to result in a truncated protein or mRNA subject to nonsense-mediated decay. Additionally, several downstream truncating variants have been described in individuals with congenital heart disease and are considered pathogenic (Kerstjens-Frederikse 2016, Page 2019). Based on available information, the p.Asp1642Ter variant is considered to be likely pathogenic. References: Kerstjens-Frederikse WS et al. Cardiovascular malformations caused by NOTCH1 mutations do not keep left: data on 428 probands with left-sided CHD and their families. Genet Med. 2016 Sep;18(9):914-23. PMID: 26820064. Page DJ et al. Whole Exome Sequencing Reveals the Major Genetic Contributors to Nonsyndromic Tetralogy of Fallot. Circ Res. 2019 Feb 15;124(4):553-563. PMID: 30582441.

NM_017617.5(NOTCH1):c.4923dup (p.Asp1642Ter)

Gene: NOTCH1 (notch receptor 1; minus strand). Cytogenetic location: 9q34.3.
Variant type: Duplication.
Coding change: c.4923dup on transcript NM_017617.5 (MANE Select); coding-DNA position 4923, one base duplicated (T; older notation c.4923dupT).
Protein change: p.Asp1642Ter; replaces aspartic acid 1642 with a stop codon.
Molecular consequence: nonsense.
Genome position (GRCh38, 1-based): chr9:136,504,768, A duplicated on the plus strand (T on the coding strand, the reverse complement: NOTCH1 is on the minus strand). VCF-style (leftmost placement, unchanged base first): chr9-136504767-C-CA. GRCh37 (hg19) VCF-style: chr9-139399219-C-CA.
Other names: short protein forms D1642*.
Identifiers: ClinVar variation 3766702 (VCV003766702.1).